The following is an entry in ClinVar:

NM_000064.4(C3):c.4039A>G (p.Met1347Val)

Gene: C3 (complement C3; minus strand). Cytogenetic location: 19p13.3.
Variant type: single nucleotide variant.
Coding change: c.4039A>G on transcript NM_000064.4 (MANE Select); coding-DNA position 4039, A replaced by G.
Protein change: p.Met1347Val; replaces methionine 1347 with valine.
Molecular consequence: missense variant.
Genome position (GRCh38, 1-based): chr19:6,684,641, T>C on the plus strand (A>G on the coding strand, the complement: C3 is on the minus strand). VCF-style: chr19-6684641-T-C. GRCh37 (hg19) VCF-style: chr19-6684652-T-C.
Other names: short protein forms M1347V.
Identifiers: ClinVar variation 2805986 (VCV002805986.3), dbSNP rs1917952479, ClinGen allele CA403617518.

ClinVar aggregate classification (germline): Uncertain significance (1 of 4 stars; one submission).

Allele frequency attached by ClinVar (database versions not stated): gnomAD exomes below 0.00001; TOPMed 0.00001.

Submission:

Labcorp Genetics (formerly Invitae), Labcorp
Classification: Uncertain significance. Last evaluated: 2024-01-25. Review status: criteria provided, single submitter. Criteria: Invitae Variant Classification Sherloc (09022015). Collection method: clinical testing. Allele origin: germline.
Comment: This sequence change replaces methionine, which is neutral and non-polar, with valine, which is neutral and non-polar, at codon 1347 of the C3 protein (p.Met1347Val). This variant is not present in population databases (gnomAD no frequency). This variant has not been reported in the literature in individuals affected with C3-related conditions. Advanced modeling of protein sequence and biophysical properties (such as structural, functional, and spatial information, amino acid conservation, physicochemical variation, residue mobility, and thermodynamic stability) performed at Invitae indicates that this missense variant is not expected to disrupt C3 protein function with a negative predictive value of 80%. In summary, the available evidence is currently insufficient to determine the role of this variant in disease. Therefore, it has been classified as a Variant of Uncertain Significance.